The following is an entry in ClinVar:

ClinVar aggregate classification (germline): Uncertain significance. Review status: criteria provided, single submitter (1 of 4 stars). 2 submissions from 2 submitters: Uncertain significance (1). 1 of the submissions does not count toward it. Last evaluated 2022-09-19.

Conditions:
Severe combined immunodeficiency, autosomal recessive, T cell-negative, B cell-negative, NK cell-positive. Also called: Severe combined immunodeficiency due to complete RAG1/2 deficiency; SCID, AR, T-cell negative, B-cell negative, NK cell-positive; SCID, T CELL-NEGATIVE, B CELL-NEGATIVE, NK CELL-POSITIVE. Identifiers: Orphanet 331206, MedGen C1832322, MONDO:0011086, OMIM 601457.
Combined immunodeficiency with skin granulomas. Identifiers: Orphanet 157949, MedGen C2673536, MONDO:0009306, OMIM 233650.

Allele frequency attached by ClinVar (database versions not stated): gnomAD 0.00001; TOPMed 0.00001; ExAC 0.00002; gnomAD exomes 0.00002.
gnomAD v4.1: 26 of 1,614,058 alleles (0.0016%); highest among the groups gnomAD compares: East Asian, 0.0022%; no homozygotes.

Submissions (2):

Labcorp Genetics (formerly Invitae), Labcorp
Classification: Uncertain significance for Combined immunodeficiency with skin granulomas; Severe combined immunodeficiency, autosomal recessive, T cell-negative, B cell-negative, NK cell-positive. Last evaluated: 2022-09-19. Review status: criteria provided, single submitter. Criteria: Invitae Variant Classification Sherloc (09022015). Collection method: clinical testing. Allele origin: germline.
Comment: This sequence change replaces arginine, which is basic and polar, with glutamine, which is neutral and polar, at codon 332 of the RAG1 protein (p.Arg332Gln). This variant is present in population databases (rs762022709, gnomAD 0.003%). This variant has not been reported in the literature in individuals affected with RAG1-related conditions. ClinVar contains an entry for this variant (Variation ID: 973662). Advanced modeling of protein sequence and biophysical properties (such as structural, functional, and spatial information, amino acid conservation, physicochemical variation, residue mobility, and thermodynamic stability) performed at Invitae indicates that this missense variant is not expected to disrupt RAG1 protein function. In summary, the available evidence is currently insufficient to determine the role of this variant in disease. Therefore, it has been classified as a Variant of Uncertain Significance.

UOSD Laboratory of Genetics & Genomics of Rare Diseases, Istituto Giannina Gaslini
Classification: Uncertain significance for Severe combined immunodeficiency, autosomal recessive, T cell-negative, B cell-negative, NK cell-positive. Last evaluated: 2020-05-21. Review status: no assertion criteria provided. Collection method: clinical testing. Allele origin: germline. Affected: yes. Observed: 1 variant allele. Not counted in ClinVar's aggregate classification.

NM_000448.3(RAG1):c.995G>A (p.Arg332Gln)

Gene: RAG1 (recombination activating 1; plus strand). Cytogenetic location: 11p12.
Variant type: single nucleotide variant.
Coding change: c.995G>A on transcript NM_000448.3 (MANE Select); coding-DNA position 995, G replaced by A.
Protein change: p.Arg332Gln; replaces arginine 332 with glutamine.
Molecular consequence: missense variant.
Genome position (GRCh38, 1-based): chr11:36,574,299, G>A. VCF-style: chr11-36574299-G-A. GRCh37 (hg19) VCF-style: chr11-36595849-G-A.
Other names: c.995G>A, p.Arg332Gln (NM_001377277.1, NM_001377278.1, NM_001377279.1 and 1 more transcripts); short protein forms R332Q.
Identifiers: ClinVar variation 973662 (VCV000973662.8), dbSNP rs762022709, ClinGen allele CA5950083.